The following is an entry in ClinVar:

ClinVar aggregate classification (germline): Likely pathogenic (1 of 4 stars; one submission).

Submission:

Labcorp Genetics (formerly Invitae), Labcorp
Classification: Likely pathogenic. Last evaluated: 2021-01-12. Review status: criteria provided, single submitter. Criteria: Invitae Variant Classification Sherloc (09022015). Collection method: clinical testing. Allele origin: germline.
Comment: This variant is not present in population databases (ExAC no frequency). This sequence change replaces asparagine with isoleucine at codon 18 of the TUBA1A protein (p.Asn18Ile). The asparagine residue is highly conserved and there is a large physicochemical difference between asparagine and isoleucine. This variant has been observed in individual(s) with clinical features of TUBA1A-related cortical malformations (Invitae). In at least one individual the variant was observed to be de novo. Algorithms developed to predict the effect of missense changes on protein structure and function (SIFT, PolyPhen-2, Align-GVGD) all suggest that this variant is likely to be disruptive, but these predictions have not been confirmed by published functional studies and their clinical significance is uncertain. In summary, the currently available evidence indicates that the variant is pathogenic, but additional data are needed to prove that conclusively. Therefore, this variant has been classified as Likely Pathogenic.

NM_006009.4(TUBA1A):c.53A>T (p.Asn18Ile)

Gene: TUBA1A (tubulin alpha 1a; minus strand). Cytogenetic location: 12q13.12.
Variant type: single nucleotide variant.
Coding change: c.53A>T on transcript NM_006009.4 (MANE Select); coding-DNA position 53, A replaced by T.
Protein change: p.Asn18Ile; replaces asparagine 18 with isoleucine.
Molecular consequence: missense variant. On other transcripts: 5 prime UTR variant (1).
Genome position (GRCh38, 1-based): chr12:49,186,784, T>A on the plus strand (A>T on the coding strand, the complement: TUBA1A is on the minus strand). VCF-style: chr12-49186784-T-A. GRCh37 (hg19) VCF-style: chr12-49580567-T-A.
Other names: c.53A>T, p.Asn18Ile (NM_001270399.2); c.-53A>T (NM_001270400.2); short protein forms N18I.
Identifiers: ClinVar variation 1491211 (VCV001491211.8), dbSNP rs1064795213, ClinGen allele CA384645977.